The following is an entry in ClinVar:

NM_153704.6(TMEM67):c.2774A>G (p.Tyr925Cys)

Gene: TMEM67 (transmembrane protein 67; plus strand). Cytogenetic location: 8q22.1.
Variant type: single nucleotide variant.
Coding change: c.2774A>G on transcript NM_153704.6 (MANE Select); coding-DNA position 2774, A replaced by G.
Protein change: p.Tyr925Cys; replaces tyrosine 925 with cysteine.
Molecular consequence: missense variant. On other transcripts: non-coding transcript variant (1).
Genome position (GRCh38, 1-based): chr8:93,815,314, A>G. VCF-style: chr8-93815314-A-G. GRCh37 (hg19) VCF-style: chr8-94827542-A-G.
Other names: c.2774A>G (NM_153704.5); c.2531A>G, p.Tyr844Cys (NM_001142301.1); short protein forms Y925C, Y844C.
Identifiers: ClinVar variation 1352237 (VCV001352237.10), dbSNP rs376103225, ClinGen allele CA4808399.

ClinVar aggregate classification (germline): Uncertain significance. Review status: criteria provided, multiple submitters, no conflicts (2 of 4 stars). 3 submissions from 3 submitters: Uncertain significance (3). Last evaluated 2026-02-02.

Conditions:
Inborn genetic diseases. Identifiers: MedGen C0950123, MeSH D030342.
Joubert syndrome. Also called: Familial aplasia of the vermis; JOUBERT-BOLTSHAUSER SYNDROME. Identifiers: Orphanet 475, MedGen C5979921, MONDO:0018772.
Meckel-Gruber syndrome. Also called: Dysencephalia splachnocystica; GRUBER SYNDROME; DYSENCEPHALIA SPLANCHNOCYSTICA. Identifiers: Orphanet 564, MedGen C0265215, MONDO:0018921.
TMEM67-related disorder. Also called: TMEM67-related disorders; TMEM67-related condition. Identifiers: MedGen CN239423.

Allele frequency attached by ClinVar (database versions not stated): gnomAD 0.00001; ExAC 0.00002; TOPMed 0.00005; ESP Exome Variant Server 0.00008.
gnomAD v4.1: 13 of 1,568,548 alleles (0.00083%); highest among the groups gnomAD compares: African/African-American, 0.016%; no homozygotes.

Submissions (3):

PreventionGenetics, part of Exact Sciences
Classification: Uncertain significance for TMEM67-related condition. Last evaluated: 2026-02-02. Review status: criteria provided, single submitter. Criteria: ACMG Guidelines, 2015. Collection method: clinical testing. Allele origin: germline.
Comment: The TMEM67 c.2774A>G variant is predicted to result in the amino acid substitution p.Tyr925Cys. To our knowledge, this variant has not been reported in the literature. This variant is reported in 0.0068% of alleles in individuals of African descent in gnomAD. At this time, the clinical significance of this variant is uncertain due to the absence of conclusive functional and genetic evidence.

Ambry Genetics
Classification: Uncertain significance for Inborn genetic diseases. Last evaluated: 2025-01-27. Review status: criteria provided, single submitter. Criteria: Ambry Variant Classification Scheme 2023. Collection method: clinical testing. Allele origin: germline.

Labcorp Genetics (formerly Invitae), Labcorp
Classification: Uncertain significance for Joubert syndrome; Meckel-Gruber syndrome. Last evaluated: 2023-11-27. Review status: criteria provided, single submitter. Criteria: Invitae Variant Classification Sherloc (09022015). Collection method: clinical testing. Allele origin: germline.
Comment: This sequence change replaces tyrosine, which is neutral and polar, with cysteine, which is neutral and slightly polar, at codon 925 of the TMEM67 protein (p.Tyr925Cys). This variant is present in population databases (rs376103225, gnomAD 0.007%). This variant has not been reported in the literature in individuals affected with TMEM67-related conditions. ClinVar contains an entry for this variant (Variation ID: 1352237). Advanced modeling of protein sequence and biophysical properties (such as structural, functional, and spatial information, amino acid conservation, physicochemical variation, residue mobility, and thermodynamic stability) performed at Invitae indicates that this missense variant is expected to disrupt TMEM67 protein function with a positive predictive value of 95%. In summary, the available evidence is currently insufficient to determine the role of this variant in disease. Therefore, it has been classified as a Variant of Uncertain Significance.